The following is an entry in ClinVar:

NM_004752.4(GCM2):c.1174C>T (p.Gln392Ter)

Gene: GCM2 (GCM transcription factor 2; minus strand). Cytogenetic location: 6p24.2.
Variant type: single nucleotide variant.
Coding change: c.1174C>T on transcript NM_004752.4 (MANE Select); coding-DNA position 1174, C replaced by T.
Protein change: p.Gln392Ter; replaces glutamine 392 with a stop codon.
Molecular consequence: nonsense.
Genome position (GRCh38, 1-based): chr6:10,874,342, G>A on the plus strand (C>T on the coding strand, the complement: GCM2 is on the minus strand). VCF-style: chr6-10874342-G-A. GRCh37 (hg19) VCF-style: chr6-10874575-G-A.
Other names: short protein forms Q392*.
Identifiers: ClinVar variation 985931 (VCV000985931.5), dbSNP rs770965408, ClinGen allele CA3633935.

ClinVar aggregate classification (germline): Conflicting classifications of pathogenicity. Review status: criteria provided, conflicting classifications (1 of 4 stars). 2 submissions from 2 submitters: Pathogenic (1); Uncertain significance (1). Last evaluated 2025-01-03.

Conditions:
GCM2-related disorder. Also called: GCM2-related condition.
Inborn genetic diseases. Identifiers: MedGen C0950123, MeSH D030342.

Allele frequency attached by ClinVar (database versions not stated): ExAC 0.00001; gnomAD exomes 0.00001; TOPMed 0.00001.

Submissions (2):

PreventionGenetics, part of Exact Sciences
Classification: Pathogenic for GCM2-related condition. Last evaluated: 2025-01-03. Review status: criteria provided, single submitter. Criteria: ACMG Guidelines, 2015. Collection method: clinical testing. Allele origin: germline.
Comment: The GCM2 c.1174C>T variant is predicted to result in premature protein termination (p.Gln392*). This variant has been reported in the homozygous state in three siblings with familial isolated hypoparathyroidism (Thambundit et al. 2024. PubMed ID: 39439810). At PreventionGenetics, this variant was identified in the homozygous state in two siblings with familial isolated hypoparathyroidism (internal data). This variant is reported in 0.0058% of alleles in individuals of Latino descent in gnomAD. Nonsense variants in GCM2 are expected to be pathogenic. This variant is interpreted as pathogenic.

Ambry Genetics
Classification: Uncertain significance for Inborn genetic diseases. Last evaluated: 2017-12-12. Review status: criteria provided, single submitter. Criteria: Ambry exome assertion method (8-5-2015). Collection method: clinical testing. Allele origin: germline. Affected: yes. Observed: 1 variant allele.

Literature cited by the submitters: PubMed 18712808 (cited by Ambry Genetics).